The following is an entry in ClinVar:

NM_003664.5(AP3B1):c.2690A>G (p.Asp897Gly)

Gene: AP3B1 (adaptor related protein complex 3 subunit beta 1; minus strand). Cytogenetic location: 5q14.1.
Variant type: single nucleotide variant.
Coding change: c.2690A>G on transcript NM_003664.5 (MANE Select); coding-DNA position 2690, A replaced by G.
Protein change: p.Asp897Gly; replaces aspartic acid 897 with glycine.
Molecular consequence: missense variant.
Genome position (GRCh38, 1-based): chr5:78,039,162, T>C on the plus strand (A>G on the coding strand, the complement: AP3B1 is on the minus strand). VCF-style: chr5-78039162-T-C. GRCh37 (hg19) VCF-style: chr5-77334986-T-C.
Other names: c.2543A>G, p.Asp848Gly (NM_001271769.2); short protein forms D848G, D897G.
Identifiers: ClinVar variation 4812944 (VCV004812944.1).

ClinVar aggregate classification (germline): Uncertain significance (1 of 4 stars; one submission).

Conditions:
Hermansky-Pudlak syndrome 2 (HPS2). Also called: Platelet defects and oculocutaneous albinism. Identifiers: Orphanet 183678, Orphanet 79430, MedGen C1842362, MONDO:0011997, OMIM 608233.

Submission:

Department of Pulmonology, Children’s Hospital, Zhejiang University School of Medicine
Classification: Uncertain significance for Hermansky-Pudlak syndrome 2. Last evaluated: 2019-04-17. Review status: criteria provided, single submitter. Criteria: ACMG Guidelines, 2015. Collection method: clinical testing. Allele origin: maternal. Inheritance: Autosomal recessive inheritance. Affected: yes.
Comment: This variant is a missense mutation. Searches of the ExAC, GnomAD, and 1000 Genomes databases revealed no relevant records, indicating it is not a polymorphic site. Multiple protein function prediction software tools, including SIFT, Polyphen, and MutationTaster, suggested "low to moderate pathogenicity." No related records were found in the ClinVar, LOVD, or HGMD databases. Further PubMed literature search yielded no publications reporting this specific variant. Based on the comprehensive analysis of the above evidence, this variant is currently classified as 'Variant of Uncertain Significance (VUS).

Literature cited by the submitters: DOI 10.1083/jcb.137.4.835; DOI 10.1074/jbc.272.24.15078; DOI 10.1186/1471-2164-8-399; DOI 10.1038/nature02919; DOI 10.1101/gr.2596504; DOI 10.1016/j.cell.2006.09.026; DOI 10.1021/pr0704130; DOI 10.1073/pnas.0805139105; DOI 10.1021/ac9004309; DOI 10.1126/scisignal.2000475; DOI 10.1126/scisignal.2001.